The following is an entry in ClinVar:

ClinVar aggregate classification (germline): Conflicting classifications of pathogenicity. Review status: criteria provided, conflicting classifications (1 of 4 stars). 5 submissions from 5 submitters: Uncertain significance (2); Benign (2); Likely benign (1). Last evaluated 2026-09-01.

Submissions (5):

CeGaT Center for Human Genetics Tuebingen
Classification: Benign. Last evaluated: 2026-09-01. Review status: criteria provided, single submitter. Criteria: CeGaT Center For Human Genetics Tuebingen Variant Classification Criteria Version 2. Collection method: clinical testing. Allele origin: germline. Affected: yes. Observed: 11 variant alleles.
Comment: MAGEL2: BS1, BS2

Labcorp Genetics (formerly Invitae), Labcorp
Classification: Benign. Last evaluated: 2026-02-04. Review status: criteria provided, single submitter. Criteria: Invitae Variant Classification Sherloc (09022015). Collection method: clinical testing. Allele origin: germline.

GeneDx
Classification: Likely benign. Last evaluated: 2018-10-05. Review status: criteria provided, single submitter. Criteria: GeneDx Variant Classification Process June 2021. Collection method: clinical testing. Allele origin: germline. Affected: yes.

Center for Pediatric Genomic Medicine, Children's Mercy Hospital and Clinics
Classification: Uncertain significance. Last evaluated: 2017-03-07. Review status: criteria provided, single submitter. Criteria: ACMG Guidelines, 2015. Collection method: clinical testing. Allele origin: germline.

Eurofins Ntd Llc (ga)
Classification: Uncertain significance. Last evaluated: 2017-01-18. Review status: criteria provided, single submitter. Criteria: EGL Classification Definitions. Collection method: clinical testing. Allele origin: germline. Observed: 1 variant allele, 1 heterozygote.

NM_019066.5(MAGEL2):c.1344ACCCGTGATCCGCCAGGCCCC[1] (p.442PVIRQAP[2])

Gene: MAGEL2 (MAGE family member L2; minus strand). Cytogenetic location: 15q11.2.
Variant type: Microsatellite.
Coding change: c.1344ACCCGTGATCCGCCAGGCCCC[1] on transcript NM_019066.5 (MANE Select); one copy of the 21-base unit ACCCGTGATCCGCCAGGCCCC starting at c.1344; the reference has two copies in a row; one copy, 21 bases deleted.
Protein change: p.442PVIRQAP[2].
Molecular consequence: inframe deletion.
Genome position (GRCh38, 1-based): chr15:23,646,358-23,646,378, GGGGCCTGGCGGATCACGGGT deleted on the plus strand (ACCCGTGATCCGCCAGGCCCC on the coding strand, the reverse complement: MAGEL2 is on the minus strand); deleting any 21 consecutive bases within chr15:23,646,358-23,646,416 gives the same sequence; the position shown is the placement nearest the transcript's 3' end. VCF-style (leftmost placement, unchanged base first): chr15-23646357-GGGGGCCTGGCGGATCACGGGT-G. GRCh37 (hg19) VCF-style: chr15-23891504-GGGGGCCTGGCGGATCACGGGT-G.
Other names: c.1365_1385delACCCGTGATCCGCCAGGCCCC (NM_019066.4).
Identifiers: ClinVar variation 193404 (VCV000193404.34), dbSNP rs794726941, ClinGen allele CA238921.